The following is an entry in ClinVar:

NM_024747.6(HPS6):c.2213C>T (p.Ala738Val)

Gene: HPS6 (HPS6 biogenesis of lysosomal organelles complex 2 subunit 3; plus strand). Cytogenetic location: 10q24.32.
Variant type: single nucleotide variant.
Coding change: c.2213C>T on transcript NM_024747.6 (MANE Select); coding-DNA position 2213, C replaced by T.
Protein change: p.Ala738Val; replaces alanine 738 with valine.
Molecular consequence: missense variant.
Genome position (GRCh38, 1-based): chr10:102,067,687, C>T. VCF-style: chr10-102067687-C-T. GRCh37 (hg19) VCF-style: chr10-103827444-C-T.
Other names: short protein forms A738V.
Identifiers: ClinVar variation 4848050 (VCV004848050.1).

ClinVar aggregate classification (germline): Uncertain significance (1 of 4 stars; one submission).

gnomAD v4.1: 1 of 1,613,850 alleles (0.000062%); highest among the groups gnomAD compares: Non-Finnish European, 0.000085%; no homozygotes.

Submission:

Women's Health and Genetics/Laboratory Corporation of America, LabCorp
Classification: Uncertain significance. Last evaluated: 2026-02-04. Review status: criteria provided, single submitter. Criteria: LabCorp Variant Classification Summary - May 2015. Collection method: clinical testing. Allele origin: germline.
Comment: Variant summary: HPS6 c.2213C>T (p.Ala738Val) results in a non-conservative amino acid change in the encoded protein sequence. Algorithms developed to predict the effect of missense changes on protein structure and function are either unavailable or do not agree on the potential impact of this missense change. The variant was absent in 249614 control chromosomes. The available data on variant occurrences in the general population are insufficient to allow any conclusion about variant significance. To our knowledge, no occurrence of c.2213C>T in individuals affected with HPS6-related conditions and no experimental evidence demonstrating its impact on protein function have been reported. No submitters have cited clinical-significance assessments for this variant to ClinVar. Based on the evidence outlined above, the variant was classified as uncertain significance.